The following is an entry in ClinVar:

ClinVar aggregate classification (germline): Benign/Likely benign. Review status: criteria provided, multiple submitters, no conflicts (2 of 4 stars). 3 submissions from 3 submitters: Benign (1); Likely benign (2). Last evaluated 2026-01-19.

Conditions:
Hereditary cancer-predisposing syndrome. Also called: Neoplastic Syndromes, Hereditary; Hereditary Cancer Syndrome; Hereditary neoplastic syndrome; Tumor predisposition. Identifiers: Orphanet 140162, MedGen C0027672, MeSH D009386, MONDO:0015356.
Pheochromocytoma/paraganglioma syndrome 5. Also called: Paragangliomas 5; SDHA-Related Hereditary Paraganglioma-Pheochromocytoma Syndrome. Identifiers: Orphanet 29072, MedGen C3279992, MONDO:0013602, OMIM 614165.
Mitochondrial complex II deficiency, nuclear type 1. Also called: SUCCINATE CoQ REDUCTASE DEFICIENCY. Identifiers: Orphanet 3208, MedGen C5700310, MONDO:0100294, OMIM 252011.

Allele frequency attached by ClinVar (database versions not stated): gnomAD 0.00001; gnomAD exomes 0.00001; TOPMed 0.00002; 1000 Genomes Project 30x 0.00016.
gnomAD v4.1: 5 of 1,460,672 alleles (0.00034%); highest among the groups gnomAD compares: African/African-American, 0.0044%; no homozygotes.

Submissions (3):

Labcorp Genetics (formerly Invitae), Labcorp
Classification: Likely benign for Pheochromocytoma/paraganglioma syndrome 5; Mitochondrial complex II deficiency, nuclear type 1. Last evaluated: 2026-01-19. Review status: criteria provided, single submitter. Criteria: Invitae Variant Classification Sherloc (09022015). Collection method: clinical testing. Allele origin: germline.

Myriad Genetics, Inc.
Classification: Benign for Pheochromocytoma/paraganglioma syndrome 5. Last evaluated: 2025-02-27. Review status: criteria provided, single submitter. Criteria: Myriad Autosomal Dominant, Autosomal Recessive and X-Linked Classification Criteria (2023). Collection method: clinical testing. Allele origin: unknown.
Comment: This variant is considered benign. This variant is a silent/synonymous amino acid change and it is not expected to impact splicing.

Ambry Genetics
Classification: Likely benign for Hereditary cancer-predisposing syndrome. Last evaluated: 2017-06-01. Review status: criteria provided, single submitter. Criteria: Ambry Variant Classification Scheme 2023. Collection method: clinical testing. Allele origin: germline.

NM_004168.4(SDHA):c.9G>T (p.Gly3=)

Gene: SDHA (succinate dehydrogenase complex flavoprotein subunit A; plus strand). Cytogenetic location: 5p15.33.
Variant type: single nucleotide variant.
Coding change: c.9G>T on transcript NM_004168.4 (MANE Select); coding-DNA position 9, G replaced by T.
Protein change: p.Gly3=; no amino-acid change (glycine 3 retained).
Molecular consequence: synonymous variant.
Genome position (GRCh38, 1-based): chr5:218,364, G>T. VCF-style: chr5-218364-G-T. GRCh37 (hg19) VCF-style: chr5-218479-G-T.
Other names: c.9G>T, p.Gly3= (NM_001294332.2, NM_001330758.2).
Identifiers: ClinVar variation 486386 (VCV000486386.22), dbSNP rs1252447154, ClinGen allele CA442689528.